The following is an entry in ClinVar:

NM_000540.3(RYR1):c.619C>T (p.Arg207Cys)

Gene: RYR1 (ryanodine receptor 1; plus strand). Cytogenetic location: 19q13.2.
Variant type: single nucleotide variant.
Coding change: c.619C>T on transcript NM_000540.3 (MANE Select); coding-DNA position 619, C replaced by T.
Protein change: p.Arg207Cys; replaces arginine 207 with cysteine.
Molecular consequence: missense variant.
Genome position (GRCh38, 1-based): chr19:38,444,665, C>T. VCF-style: chr19-38444665-C-T. GRCh37 (hg19) VCF-style: chr19-38935305-C-T.
Other names: NM_000540.3(RYR1):c.619C>T; p.Arg207Cys; c.619C>T, p.Arg207Cys (NM_001042723.2); short protein forms R207C.
Identifiers: ClinVar variation 212104 (VCV000212104.26), dbSNP rs748140394, ClinGen allele CA067890.

ClinVar aggregate classification (germline): Uncertain significance. Review status: reviewed by expert panel (3 of 4 stars). 6 submissions from 5 submitters: Uncertain significance (1). 5 of the submissions do not count toward it. Last evaluated 2024-08-27.

Conditions:
RYR1-related myopathy. Identifiers: Orphanet 98742, MedGen CN305348, MONDO:0100150.
RYR1-related disorder. Also called: RYR1-related condition; RYR1-related disorders. Identifiers: MedGen CN239331.
Malignant hyperthermia, susceptibility to, 1 (MHS1). Also called: RYR1-Related Malignant Hyperthermia Susceptibility; Anesthesia related hyperthermia; Malignant hyperpyrexia; Fulminating hyperpyrexia; Pharmacogenic myopathy; Malignant hyperthermia suceptibility 1. Identifiers: Orphanet 423, MedGen C2930980, MONDO:0007783, OMIM 145600.
Congenital multicore myopathy with external ophthalmoplegia (CMYO1B). Also called: MULTIMINICORE DISEASE WITH EXTERNAL OPHTHALMOPLEGIA; MULTICORE MYOPATHY; Minicore myopathy with external ophthalmoplegia; Congenital myopathy 1B, autosomal recessive; Minicore myopathy. Identifiers: Orphanet 598, Orphanet 98905, MedGen C1850674, MONDO:0009712, OMIM 255320, HP:0003789.

Allele frequency attached by ClinVar (database versions not stated): gnomAD exomes below 0.00001; ExAC 0.00001; TOPMed 0.00001; gnomAD 0.00002.
gnomAD v4.1: 12 of 1,613,178 alleles (0.00074%); highest among the groups gnomAD compares: Non-Finnish European, 0.001%; no homozygotes.

Submissions (6):

ClinGen Congenital Myopathies Variant Curation Expert Panel, ClinGen
Classification: Uncertain significance for RYR1-related myopathy. Last evaluated: 2024-08-27. Review status: reviewed by expert panel. Criteria: ClinGen CongenMyopathy ACMG Specifications RYR1 AD V2.0.0. Collection method: curation. Allele origin: germline. Inheritance: Autosomal dominant inheritance.
Comment: The c.619C>T variant in RYR1 is a missense variant predicted to cause substitution of arginine by cysteine at amino acid 207 (p.Arg207Cys). The highest population minor allele frequency in gnomAD v4.1 is 0.00001017 (12/1179596 alleles) in the European (non-Finnish) population (PM2_Supporting, BS1, and BA1 are not met). The computational predictor REVEL gives a score of 0.459, which is neither above nor below the thresholds predicting a damaging or benign impact on RYR1 function. In summary, this variant meets the criteria to be classified as uncertain significance for AD/AR RYR1-related myopathy based on the ACMG/AMP criteria applied, as specified by the ClinGen Congenital Myopathies VCEP: None. (ClinGen Congenital Myopathies VCEP specifications version 2; 08/27/2024)

PreventionGenetics, part of Exact Sciences
Classification: Uncertain significance for RYR1-related condition. Last evaluated: 2026-08-17. Review status: criteria provided, single submitter. Criteria: ACMG Guidelines, 2015. Collection method: clinical testing. Allele origin: germline. Not counted in ClinVar's aggregate classification.
Comment: The RYR1 c.619C>T variant is predicted to result in the amino acid substitution p.Arg207Cys. To our knowledge, this variant has not been reported in the literature. This variant is reported in 0.0016% of alleles in individuals of European (Non-Finnish) descent in gnomAD. At this time, the clinical significance of this variant is uncertain due to the absence of conclusive functional and genetic evidence.

Labcorp Genetics (formerly Invitae), Labcorp
Classification: Uncertain significance for RYR1-related disorder. Last evaluated: 2023-12-13. Review status: criteria provided, single submitter. Criteria: Invitae Variant Classification Sherloc (09022015). Collection method: clinical testing. Allele origin: germline. Not counted in ClinVar's aggregate classification.
Comment: This sequence change replaces arginine, which is basic and polar, with cysteine, which is neutral and slightly polar, at codon 207 of the RYR1 protein (p.Arg207Cys). This variant is present in population databases (rs748140394, gnomAD 0.0009%). This variant has not been reported in the literature in individuals affected with RYR1-related conditions. ClinVar contains an entry for this variant (Variation ID: 212104). Advanced modeling of protein sequence and biophysical properties (such as structural, functional, and spatial information, amino acid conservation, physicochemical variation, residue mobility, and thermodynamic stability) performed at Invitae indicates that this missense variant is not expected to disrupt RYR1 protein function with a negative predictive value of 95%. In summary, the available evidence is currently insufficient to determine the role of this variant in disease. Therefore, it has been classified as a Variant of Uncertain Significance.

Illumina Laboratory Services, Illumina
Classification: Uncertain significance for Congenital multicore myopathy with external ophthalmoplegia. Last evaluated: 2018-01-12. Review status: criteria provided, single submitter. Criteria: ICSL Variant Classification Criteria 13 December 2019. Collection method: clinical testing. Allele origin: germline. Not counted in ClinVar's aggregate classification.

Illumina Laboratory Services, Illumina
Classification: Uncertain significance for Malignant hyperthermia, susceptibility to, 1. Last evaluated: 2018-01-12. Review status: criteria provided, single submitter. Criteria: ICSL Variant Classification Criteria 13 December 2019. Collection method: clinical testing. Allele origin: germline. Not counted in ClinVar's aggregate classification.

Genetic Services Laboratory, University of Chicago
Classification: Uncertain significance. Last evaluated: 2015-04-10. Review status: criteria provided, single submitter. Criteria: ACMG Guidelines, 2015. Collection method: clinical testing. Allele origin: germline. Not counted in ClinVar's aggregate classification.